The following is an entry in ClinVar:

NM_004341.5(CAD):c.6521G>A (p.Arg2174Gln)

Genes: CAD (carbamoyl-phosphate synthetase 2, aspartate transcarbamylase, and dihydroorotase; plus strand), LOC126806172 (CDK7 strongly-dependent group 2 enhancer GRCh37_chr2:27465505-27466704; plus strand). Cytogenetic location: 2p23.3.
Variant type: single nucleotide variant.
Coding change: c.6521G>A on transcript NM_004341.5 (MANE Select); coding-DNA position 6521, G replaced by A.
Protein change: p.Arg2174Gln; replaces arginine 2174 with glutamine.
Molecular consequence: missense variant.
Genome position (GRCh38, 1-based): chr2:27,243,238, G>A. VCF-style: chr2-27243238-G-A. GRCh37 (hg19) VCF-style: chr2-27466106-G-A.
Other names: c.6332G>A, p.Arg2111Gln (NM_001306079.2); short protein forms R2111Q, R2174Q.
Identifiers: ClinVar variation 1364234 (VCV001364234.5), dbSNP rs750110109, ClinGen allele CA1574243.

ClinVar aggregate classification (germline): Uncertain significance (1 of 4 stars; one submission).

Allele frequency attached by ClinVar (database versions not stated): gnomAD exomes 0.00001; ExAC 0.00002.
gnomAD v4.1: 8 of 1,613,908 alleles (0.0005%); highest among the groups gnomAD compares: Middle Eastern, 0.016%; no homozygotes.

Submission:

Labcorp Genetics (formerly Invitae), Labcorp
Classification: Uncertain significance. Last evaluated: 2021-09-02. Review status: criteria provided, single submitter. Criteria: Invitae Variant Classification Sherloc (09022015). Collection method: clinical testing. Allele origin: germline.
Comment: This sequence change replaces arginine with glutamine at codon 2174 of the CAD protein (p.Arg2174Gln). The arginine residue is moderately conserved and there is a small physicochemical difference between arginine and glutamine. This variant is present in population databases (rs750110109, ExAC 0.004%). This variant has not been reported in the literature in individuals affected with CAD-related conditions. Algorithms developed to predict the effect of missense changes on protein structure and function (SIFT, PolyPhen-2, Align-GVGD) all suggest that this variant is likely to be tolerated. Algorithms developed to predict the effect of sequence changes on RNA splicing suggest that this variant may create or strengthen a splice site. In summary, the available evidence is currently insufficient to determine the role of this variant in disease. Therefore, it has been classified as a Variant of Uncertain Significance.